The following is an entry in ClinVar:

NM_000532.5(PCCB):c.1127G>T (p.Arg376Leu)

Gene: PCCB (propionyl-CoA carboxylase subunit beta; plus strand). Cytogenetic location: 3q22.3.
Variant type: single nucleotide variant.
Coding change: c.1127G>T on transcript NM_000532.5 (MANE Select); coding-DNA position 1127, G replaced by T.
Protein change: p.Arg376Leu; replaces arginine 376 with leucine.
Molecular consequence: missense variant.
Genome position (GRCh38, 1-based): chr3:136,326,839, G>T. VCF-style: chr3-136326839-G-T. GRCh37 (hg19) VCF-style: chr3-136045681-G-T.
Other names: c.1187G>T, p.Arg396Leu (NM_001178014.2); short protein forms R376L, R396L.
Identifiers: ClinVar variation 558333 (VCV000558333.9), dbSNP rs142982097, ClinGen allele CA354648532.

ClinVar aggregate classification (germline): Likely pathogenic. Review status: criteria provided, multiple submitters, no conflicts (2 of 4 stars). 4 submissions from 4 submitters: Likely pathogenic (3). 1 of the submissions does not count toward it. Last evaluated 2025-06-09.

Conditions:
Propionic acidemia (PROP). Also called: GLYCINEMIA, KETOTIC; HYPERGLYCINEMIA WITH KETOACIDOSIS AND LEUKOPENIA; KETOTIC HYPERGLYCINEMIA. Identifiers: Orphanet 35, MedGen C0268579, MONDO:0011628, OMIM 606054, HP:0003571.

Submissions (4):

Women's Health and Genetics/Laboratory Corporation of America, LabCorp
Classification: Likely pathogenic for Propionic acidemia. Last evaluated: 2025-06-09. Review status: criteria provided, single submitter. Criteria: LabCorp Variant Classification Summary - May 2015. Collection method: clinical testing. Allele origin: germline.
Comment: Variant summary: PCCB c.1127G>T (p.Arg376Leu) results in a non-conservative amino acid change in the encoded protein sequence. Algorithms developed to predict the effect of missense changes on protein structure and function all suggest that this variant is likely to be disruptive. The variant was absent in 251386 control chromosomes (gnomAD). c.1127G>T has been observed in individuals affected with Propionic Acidemia (Kraus_2012, Liu_2022). These data indicate that the variant is likely to be associated with disease. To our knowledge, no experimental evidence demonstrating an impact on protein function has been reported. The following publications have been ascertained in the context of this evaluation (PMID: 22033733, 34297429, 35331292). ClinVar contains an entry for this variant (Variation ID: 558333). Based on the evidence outlined above, the variant was classified as likely pathogenic.

Natera, Inc.
Classification: Likely pathogenic for Propionic acidemia. Last evaluated: 2025-04-17. Review status: criteria provided, single submitter. Criteria: Natera Variant Classification Schema (03/2026). Collection method: clinical testing. Allele origin: germline.
Comment: The c.1127G>T variant in PCCB is a missense variant predicted to cause substitution of arginine to leucine at amino acid 376. This variant is rare in the general population with a frequency below the threshold expected for the associated phenotype(s). This variant has been observed in one or more individuals affected with the associated recessive disease, as either homozygous or compound heterozygous with a second variant (PMID: 36102083, 35331292, 22033733). Computational prediction algorithms indicate this variant is likely to affect gene or protein function. Given the available evidence, this variant is classified as Likely Pathogenic.

Labcorp Genetics (formerly Invitae), Labcorp
Classification: Likely pathogenic for Propionic acidemia. Last evaluated: 2022-06-09. Review status: criteria provided, single submitter. Criteria: Invitae Variant Classification Sherloc (09022015). Collection method: clinical testing. Allele origin: germline.
Comment: This sequence change replaces arginine, which is basic and polar, with leucine, which is neutral and non-polar, at codon 376 of the PCCB protein (p.Arg376Leu). In summary, the currently available evidence indicates that the variant is pathogenic, but additional data are needed to prove that conclusively. Therefore, this variant has been classified as Likely Pathogenic. This variant disrupts the p.Arg376 amino acid residue in PCCB. Other variant(s) that disrupt this residue have been determined to be pathogenic (PMID: 19342984, 27900673). This suggests that this residue is clinically significant, and that variants that disrupt this residue are likely to be disease-causing. Advanced modeling of protein sequence and biophysical properties (such as structural, functional, and spatial information, amino acid conservation, physicochemical variation, residue mobility, and thermodynamic stability) performed at Invitae indicates that this missense variant is expected to disrupt PCCB protein function. ClinVar contains an entry for this variant (Variation ID: 558333). This missense change has been observed in individual(s) with Propionic Acidemia (PMID: 22033733). This variant is not present in population databases (gnomAD no frequency).

Counsyl
Classification: Uncertain significance for Propionic acidemia. Last evaluated: 2018-05-14. Review status: no assertion criteria provided. Collection method: clinical testing. Allele origin: unknown. Not counted in ClinVar's aggregate classification.

Literature cited by the submitters: PubMed 22033733 (cited by 4 submitters); PubMed 35331292 (cited by Women's Health and Genetics/Laboratory Corporation of America, LabCorp and Natera, Inc.); PubMed 34297429 (cited by Women's Health and Genetics/Laboratory Corporation of America, LabCorp); PubMed 36102083 (cited by Natera, Inc.); PubMed 19342984 (cited by Labcorp Genetics (formerly Invitae), Labcorp); PubMed 27900673 (cited by Labcorp Genetics (formerly Invitae), Labcorp).